The following is an entry in ClinVar:

NM_000465.4(BARD1):c.2329A>C (p.Ser777Arg)

Gene: BARD1 (BRCA1 associated RING domain 1; minus strand). Cytogenetic location: 2q35.
Variant type: single nucleotide variant.
Coding change: c.2329A>C on transcript NM_000465.4 (MANE Select); coding-DNA position 2329, A replaced by C.
Protein change: p.Ser777Arg; replaces serine 777 with arginine.
Molecular consequence: missense variant. On other transcripts: non-coding transcript variant (3).
Genome position (GRCh38, 1-based): chr2:214,728,681, T>G on the plus strand (A>C on the coding strand, the complement: BARD1 is on the minus strand). VCF-style: chr2-214728681-T-G. GRCh37 (hg19) VCF-style: chr2-215593405-T-G.
Other names: c.2272A>C, p.Ser758Arg (NM_001282543.2); c.976A>C, p.Ser326Arg (NM_001282545.2); c.919A>C, p.Ser307Arg (NM_001282548.2); c.790A>C, p.Ser264Arg (NM_001282549.2); short protein forms S777R, S758R, S264R, S307R, S326R.
Identifiers: ClinVar variation 530166 (VCV000530166.10), dbSNP rs1553611997, ClinGen allele CA350449633.
Genomic context (GRCh38, chr2:214,728,681, plus strand): 5'-CTGGGCTCTCACAAACCGTGCAAATTCAATTTGAAATGTTCATCTGGTATAATATTCAGC[T>G]GTCAAGAGGAAGCAACTCAAAGGACATCACACAGTCTATAAACCAGCTCGAAGGAGCCTT-3'
Protein context (NP_000456.2, residues 767-777): VMSFELLPLD[Ser777Arg]

ClinVar aggregate classification (germline): Uncertain significance (1 of 4 stars; one submission).

Conditions:
Familial cancer of breast. Also called: BREAST CANCER, FAMILIAL; Hereditary breast cancer; hereditary breast carcinoma. Identifiers: Orphanet 227535, MedGen C0346153, MONDO:0016419, OMIM 114480. Disease mechanism: loss of function.

Submission:

Labcorp Genetics (formerly Invitae), Labcorp
Classification: Uncertain significance for Familial cancer of breast. Last evaluated: 2018-11-03. Review status: criteria provided, single submitter. Criteria: Invitae Variant Classification Sherloc (09022015). Collection method: clinical testing. Allele origin: germline.
Comment: In summary, the available evidence is currently insufficient to determine the role of this variant in disease. Therefore, it has been classified as a Variant of Uncertain Significance. Algorithms developed to predict the effect of missense changes on protein structure and function (SIFT, PolyPhen-2, Align-GVGD) all suggest that this variant is likely to be tolerated, but these predictions have not been confirmed by published functional studies and their clinical significance is uncertain. This variant is not present in population databases (ExAC no frequency). This variant has not been reported in the literature in individuals with BARD1-related disease. This sequence change replaces serine with arginine at codon 777 of the BARD1 protein (p.Ser777Arg). The serine residue is moderately conserved and there is a moderate physicochemical difference between serine and arginine.